The following is an entry in ClinVar:

NM_016038.4(SBDS):c.514A>C (p.Met172Leu)

Gene: SBDS (SBDS ribosome maturation factor; minus strand). Cytogenetic location: 7q11.21.
Variant type: single nucleotide variant.
Coding change: c.514A>C on transcript NM_016038.4 (MANE Select); coding-DNA position 514, A replaced by C.
Protein change: p.Met172Leu; replaces methionine 172 with leucine.
Molecular consequence: missense variant.
Genome position (GRCh38, 1-based): chr7:66,991,247, T>G on the plus strand (A>C on the coding strand, the complement: SBDS is on the minus strand). VCF-style: chr7-66991247-T-G. GRCh37 (hg19) VCF-style: chr7-66456234-T-G.
Other names: short protein forms M172L.
Identifiers: ClinVar variation 3950310 (VCV003950310.1).

ClinVar aggregate classification (germline): Uncertain significance (1 of 4 stars; one submission).

Conditions:
Inborn genetic diseases. Identifiers: MedGen C0950123, MeSH D030342.

Submission:

Ambry Genetics
Classification: Uncertain significance for Inborn genetic diseases. Last evaluated: 2025-04-07. Review status: criteria provided, single submitter. Criteria: Ambry Variant Classification Scheme 2023. Collection method: clinical testing. Allele origin: germline.
Comment: The p.M172L variant (also known as c.514A>C), located in coding exon 4 of the SBDS gene, results from an A to C substitution at nucleotide position 514. The methionine at codon 172 is replaced by leucine, an amino acid with highly similar properties. This amino acid position is conserved. In addition, this alteration is predicted to be deleterious by in silico analysis. Based on the available evidence, the clinical significance of this variant remains unclear.